The following is an entry in ClinVar:

ClinVar aggregate classification (germline): Uncertain significance (1 of 4 stars; one submission).

Allele frequency attached by ClinVar (database versions not stated): TOPMed 0.00001.
gnomAD v4.1: 1 of 1,613,962 alleles (0.000062%); highest among the groups gnomAD compares: South Asian, 0.0011%; no homozygotes.

Submission:

Labcorp Genetics (formerly Invitae), Labcorp
Classification: Uncertain significance. Last evaluated: 2021-12-23. Review status: criteria provided, single submitter. Criteria: Invitae Variant Classification Sherloc (09022015). Collection method: clinical testing. Allele origin: germline.
Comment: This sequence change replaces lysine, which is basic and polar, with asparagine, which is neutral and polar, at codon 1271 of the LAMC3 protein (p.Lys1271Asn). In summary, the available evidence is currently insufficient to determine the role of this variant in disease. Therefore, it has been classified as a Variant of Uncertain Significance. Algorithms developed to predict the effect of missense changes on protein structure and function (SIFT, PolyPhen-2, Align-GVGD) all suggest that this variant is likely to be tolerated. This variant has not been reported in the literature in individuals affected with LAMC3-related conditions. This variant is not present in population databases (gnomAD no frequency).

NM_006059.4(LAMC3):c.3813G>C (p.Lys1271Asn)

Gene: LAMC3 (laminin subunit gamma 3; plus strand). Cytogenetic location: 9q34.12.
Variant type: single nucleotide variant.
Coding change: c.3813G>C on transcript NM_006059.4 (MANE Select); coding-DNA position 3813, G replaced by C.
Protein change: p.Lys1271Asn; replaces lysine 1271 with asparagine.
Molecular consequence: missense variant.
Genome position (GRCh38, 1-based): chr9:131,079,184, G>C. VCF-style: chr9-131079184-G-C. GRCh37 (hg19) VCF-style: chr9-133954571-G-C.
Other names: short protein forms K1271N.
Identifiers: ClinVar variation 1922760 (VCV001922760.3), dbSNP rs1399032553, ClinGen allele CA375262662.
Genomic context (GRCh38, chr9:131,079,184, plus strand): 5'-GCCTGAGCGCATTGTCTCCCTGCAGCCTCAGAAGTCCCGGGCTGAAGACCTGGGCCTGAA[G>C]GCGAAGGCCCTGGAGAAGACAGTTGCATCATGGCAGCACATGGCCACTGAGGCTGCCCGA-3'
Protein context (NP_006050.3, residues 1261-1281): QKSRAEDLGL[Lys1271Asn]AKALEKTVAS